The following is an entry in ClinVar:

ClinVar aggregate classification (germline): Conflicting classifications of pathogenicity. Review status: criteria provided, conflicting classifications (1 of 4 stars). 4 submissions from 4 submitters: Uncertain significance (1); Likely benign (2). 1 of the submissions does not count toward it. Last evaluated 2019-12-31.

Conditions:
SH3TC2-related disorder. Also called: SH3TC2-related condition; SH3TC2-related disorders. Identifiers: MedGen CN239303.
Inborn genetic diseases. Identifiers: MedGen C0950123, MeSH D030342.
Charcot-Marie-Tooth disease type 4. Also called: Charcot-Marie-Tooth disease, type IV; Charcot-Marie-Tooth, Type 4. Identifiers: Orphanet 64749, MedGen C4082197, MONDO:0018995.

Allele frequency attached by ClinVar (database versions not stated): gnomAD exomes 0.00010 and 0.00030; ExAC 0.00037; ESP Exome Variant Server 0.00077; TOPMed 0.00104; gnomAD 0.00111 and 0.00118; 1000 Genomes Project 0.00180; 1000 Genomes Project 30x 0.00219.
gnomAD v4.1: 326 of 1,614,010 alleles (0.02%); highest among the groups gnomAD compares: African/African-American, 0.39%; 1 homozygote.

Submissions (4):

Labcorp Genetics (formerly Invitae), Labcorp
Classification: Likely benign for Charcot-Marie-Tooth disease type 4. Last evaluated: 2019-12-31. Review status: criteria provided, single submitter. Criteria: Invitae Variant Classification Sherloc (09022015). Collection method: clinical testing. Allele origin: germline.

Ambry Genetics
Classification: Likely benign for Inborn genetic diseases. Last evaluated: 2019-09-26. Review status: criteria provided, single submitter. Criteria: Ambry Variant Classification Scheme 2023. Collection method: clinical testing. Allele origin: germline.

GeneDx
Classification: Uncertain significance. Last evaluated: 2017-05-30. Review status: criteria provided, single submitter. Criteria: GeneDx Variant Classification (06012015). Collection method: clinical testing. Allele origin: germline. Affected: yes.
Comment: The F399L variant has not been published as a mutation, nor has it been reported as a benign polymorphism to our knowledge. The 1000 Genomes Project reports F399L was observed in 2/170 (1.2%) alleles from individuals of Mende background in the Sierra Leone. The F399L variant is a conservative amino acid substitution, which is not likely to impact secondary protein structure as these residues share similar properties. This substitution occurs at a position that is not conserved and Leucine is observed at this position in other species. In silico analysis predicts this variant likely does not alter the protein structure/function. Therefore, based on the currently available information, it is unclear whether this variant is a pathogenic mutation or a rare benign variant.

PreventionGenetics, part of Exact Sciences
Classification: Likely benign for SH3TC2-related condition. Last evaluated: 2022-02-09. Review status: no assertion criteria provided. Collection method: clinical testing. Allele origin: germline. Not counted in ClinVar's aggregate classification.
Comment: This variant is classified as likely benign based on ACMG/AMP sequence variant interpretation guidelines (Richards et al. 2015 PMID: 25741868, with internal and published modifications).

NM_024577.4(SH3TC2):c.1195T>C (p.Phe399Leu)

Gene: SH3TC2 (SH3 domain and tetratricopeptide repeats 2; minus strand). Cytogenetic location: 5q32.
Variant type: single nucleotide variant.
Coding change: c.1195T>C on transcript NM_024577.4 (MANE Select); coding-DNA position 1195, T replaced by C.
Protein change: p.Phe399Leu; replaces phenylalanine 399 with leucine.
Molecular consequence: missense variant.
Genome position (GRCh38, 1-based): chr5:149,028,537, A>G on the plus strand (T>C on the coding strand, the complement: SH3TC2 is on the minus strand). VCF-style: chr5-149028537-A-G. GRCh37 (hg19) VCF-style: chr5-148408100-A-G.
Other names: short protein forms F399L.
Identifiers: ClinVar variation 245683 (VCV000245683.10), dbSNP rs144764160, ClinGen allele CA3499236.